The following is an entry in ClinVar:

NM_006766.5(KAT6A):c.2533C>T (p.Arg845Cys)

Gene: KAT6A (lysine acetyltransferase 6A; minus strand). Cytogenetic location: 8p11.21.
Variant type: single nucleotide variant.
Coding change: c.2533C>T on transcript NM_006766.5 (MANE Select); coding-DNA position 2533, C replaced by T.
Protein change: p.Arg845Cys; replaces arginine 845 with cysteine.
Molecular consequence: missense variant.
Genome position (GRCh38, 1-based): chr8:41,941,348, G>A on the plus strand (C>T on the coding strand, the complement: KAT6A is on the minus strand). VCF-style: chr8-41941348-G-A. GRCh37 (hg19) VCF-style: chr8-41798866-G-A.
Other names: short protein forms R845C.
Identifiers: ClinVar variation 1263118 (VCV001263118.31), dbSNP rs145797427, ClinGen allele CA4729882.

ClinVar aggregate classification (germline): Benign/Likely benign. Review status: criteria provided, multiple submitters, no conflicts (2 of 4 stars). 4 submissions from 4 submitters: Benign (1); Likely benign (3). Last evaluated 2026-07-01.

Conditions:
Inborn genetic diseases. Identifiers: MedGen C0950123, MeSH D030342.

Allele frequency attached by ClinVar (database versions not stated): ESP Exome Variant Server 0.00015; gnomAD 0.00021 and 0.00024; TOPMed 0.00025; ExAC 0.00032; gnomAD exomes 0.00036.
gnomAD v4.1: 294 of 1,612,268 alleles (0.018%); highest among the groups gnomAD compares: Middle Eastern, 0.21%; 1 homozygote.

Submissions (4):

CeGaT Center for Human Genetics Tuebingen
Classification: Likely benign. Last evaluated: 2026-07-01. Review status: criteria provided, single submitter. Criteria: CeGaT Center For Human Genetics Tuebingen Variant Classification Criteria Version 2. Collection method: clinical testing. Allele origin: germline. Affected: yes. Observed: 4 variant alleles.
Comment: KAT6A: BP4

Labcorp Genetics (formerly Invitae), Labcorp
Classification: Likely benign. Last evaluated: 2026-02-03. Review status: criteria provided, single submitter. Criteria: Invitae Variant Classification Sherloc (09022015). Collection method: clinical testing. Allele origin: germline.

Ambry Genetics
Classification: Likely benign for Inborn genetic diseases. Last evaluated: 2021-06-28. Review status: criteria provided, single submitter. Criteria: Ambry Variant Classification Scheme 2023. Collection method: clinical testing. Allele origin: germline.

GeneDx
Classification: Benign. Last evaluated: 2019-04-05. Review status: criteria provided, single submitter. Criteria: GeneDx Variant Classification Process June 2021. Collection method: clinical testing. Allele origin: germline. Affected: yes.
Comment: This variant is associated with the following publications: (PMID: 29168297)